The following is an entry in ClinVar:

NM_006766.5(KAT6A):c.3057A>T (p.Arg1019=)

Gene: KAT6A (lysine acetyltransferase 6A; minus strand). Cytogenetic location: 8p11.21.
Variant type: single nucleotide variant.
Coding change: c.3057A>T on transcript NM_006766.5 (MANE Select); coding-DNA position 3057, A replaced by T.
Protein change: p.Arg1019=; no amino-acid change (arginine 1019 retained).
Molecular consequence: synonymous variant.
Genome position (GRCh38, 1-based): chr8:41,937,551, T>A on the plus strand (A>T on the coding strand, the complement: KAT6A is on the minus strand). VCF-style: chr8-41937551-T-A. GRCh37 (hg19) VCF-style: chr8-41795069-T-A.
Identifiers: ClinVar variation 3342199 (VCV003342199.16).
Genomic context (GRCh38, chr8:41,937,551, plus strand): 5'-AGAAATAGTTTCTGTGACTACACTGCTATTGTGGTGTTTGCGCTTTCGGACTCTCCTCCT[T>A]CGGTGGAGAAATGGTTTCTGTTTAATAGAGAAAGCAAGTATTTACAGTTATGAACACTAT-3'
Protein context (NP_006757.2, residues 1009-1029): TLKRKKPFLH[Arg1019=]RRRVRKRKHH

ClinVar aggregate classification (germline): Uncertain significance (1 of 4 stars; one submission).

Submission:

CeGaT Center for Human Genetics Tuebingen
Classification: Uncertain significance. Last evaluated: 2024-08-01. Review status: criteria provided, single submitter. Criteria: CeGaT Center For Human Genetics Tuebingen Variant Classification Criteria Version 2. Collection method: clinical testing. Allele origin: germline. Affected: yes. Observed: 1 variant allele.
Comment: KAT6A: PM2:Supporting, PP3, PS2:Supporting